The following is an entry in ClinVar:

ClinVar aggregate classification (germline): Pathogenic. Review status: criteria provided, multiple submitters, no conflicts (2 of 4 stars). 2 submissions from 2 submitters: Pathogenic (2). Last evaluated 2025-04-15.

Conditions:
Hermansky-Pudlak syndrome (HPS). Also called: ALBINISM WITH HEMORRHAGIC DIATHESIS AND PIGMENTED RETICULOENDOTHELIAL CELLS. Identifiers: Orphanet 79430, MedGen C0079504, MONDO:0019312.
Hermansky-Pudlak syndrome 9 (HPS9). Identifiers: Orphanet 280663, Orphanet 79430, MedGen C3280026, MONDO:0013606, OMIM 614171.

Allele frequency attached by ClinVar (database versions not stated): gnomAD exomes below 0.00001; ExAC 0.00001; gnomAD 0.00001; TOPMed 0.00002; ESP Exome Variant Server 0.00008.

Submissions (2):

Women's Health and Genetics/Laboratory Corporation of America, LabCorp
Classification: Pathogenic for Hermansky-Pudlak syndrome. Last evaluated: 2025-04-15. Review status: criteria provided, single submitter. Criteria: LabCorp Variant Classification Summary - May 2015. Collection method: clinical testing. Allele origin: germline.
Comment: Variant summary: BLOC1S6 c.335dupA (p.His112GlnfsX16) results in a premature termination codon, predicted to escape nonsense mediated decay (NMD) and cause a truncation of the encoded protein. The variant allele was found at a frequency of 4e-06 in 250100 control chromosomes. To our knowledge, no occurrence of c.335dupA in individuals affected with Hermansky-Pudlak Syndrome and no experimental evidence demonstrating its impact on protein function have been reported. However, at-least one putatively pathogenic variant downstream of this, namely c.351dupT (p.Ile118Tyrfs*10) has been observed as a biallelic genotype in an individual with Hermansky-Pudlak Syndrome (PMID 33543539) thereby supporting a relevance of this region to BLOC1S6 protein function. ClinVar contains an entry for this variant (Variation ID: 996272). Based on the evidence outlined above, the variant was classified as pathogenic.

Labcorp Genetics (formerly Invitae), Labcorp
Classification: Pathogenic for Hermansky-Pudlak syndrome 9. Last evaluated: 2022-11-24. Review status: criteria provided, single submitter. Criteria: Invitae Variant Classification Sherloc (09022015). Collection method: clinical testing. Allele origin: germline.
Comment: This variant has not been reported in the literature in individuals affected with BLOC1S6-related conditions. For these reasons, this variant has been classified as Pathogenic. This variant disrupts a region of the BLOC1S6 protein in which other variant(s) (p.Ile118Tyrfs*10) have been determined to be pathogenic (PMID: 33543539). This suggests that this is a clinically significant region of the protein, and that variants that disrupt it are likely to be disease-causing. ClinVar contains an entry for this variant (Variation ID: 996272). This variant is present in population databases (rs762974622, gnomAD 0.007%). This sequence change creates a premature translational stop signal (p.His112Glnfs*16) in the BLOC1S6 gene. While this is not anticipated to result in nonsense mediated decay, it is expected to disrupt the last 61 amino acid(s) of the BLOC1S6 protein.

Literature cited by the submitters: PubMed 33543539 (cited by Labcorp Genetics (formerly Invitae), Labcorp).

NM_012388.4(BLOC1S6):c.335dup (p.His112fs)

Gene: BLOC1S6 (biogenesis of lysosomal organelles complex 1 subunit 6; plus strand). Cytogenetic location: 15q21.1.
Variant type: Duplication.
Coding change: c.335dup on transcript NM_012388.4 (MANE Select); coding-DNA position 335, one base duplicated (A; older notation c.335dupA).
Protein change: p.His112fs; shifts the reading frame from histidine 112.
Molecular consequence: frameshift variant. On other transcripts: non-coding transcript variant (9).
Genome position (GRCh38, 1-based): chr15:45,605,450, A duplicated. VCF-style (leftmost placement, unchanged base first): chr15-45605449-C-CA. GRCh37 (hg19) VCF-style: chr15-45897647-C-CA.
Other names: c.350dup, p.His117fs (NM_001311255.1); c.262dup, p.Met88fs (NM_001311256.1); c.335dupA (NM_012388.4); short protein forms H112fs, H117fs, M88fs.
Identifiers: ClinVar variation 996272 (VCV000996272.6), dbSNP rs762974622, ClinGen allele CA7544347.